The following is an entry in ClinVar:

NM_015466.4(PTPN23):c.2422C>T (p.Pro808Ser)

Gene: PTPN23 (protein tyrosine phosphatase non-receptor type 23; plus strand). Cytogenetic location: 3p21.31.
Variant type: single nucleotide variant.
Coding change: c.2422C>T on transcript NM_015466.4 (MANE Select); coding-DNA position 2422, C replaced by T.
Protein change: p.Pro808Ser; replaces proline 808 with serine.
Molecular consequence: missense variant.
Genome position (GRCh38, 1-based): chr3:47,410,220, C>T. VCF-style: chr3-47410220-C-T. GRCh37 (hg19) VCF-style: chr3-47451710-C-T.
Other names: c.2044C>T, p.Pro682Ser (NM_001304482.2); short protein forms P682S, P808S.
Identifiers: ClinVar variation 1448370 (VCV001448370.6), dbSNP rs1180504442, ClinGen allele CA352558783.
Genomic context (GRCh38, chr3:47,410,220, plus strand): 5'-TCAGGCCCCTTGCCCCCTGGTACCTACTCGGGCCCCACCCAGCTGATACAGCCCAGGGCC[C>T]CAGGGCCCCATGCAATGCCCGTAGCACCTGGGCCTGCCCTCTACCCAGCCCCTGCCTACA-3'
Protein context (NP_056281.1, residues 798-818): GPTQLIQPRA[Pro808Ser]GPHAMPVAPG

ClinVar aggregate classification (germline): Uncertain significance (1 of 4 stars; one submission).

Allele frequency attached by ClinVar (database versions not stated): TOPMed below 0.00001; gnomAD exomes 0.00001 and 0.00002.
gnomAD v4.1: 22 of 1,611,534 alleles (0.0014%); highest among the groups gnomAD compares: East Asian, 0.029%; no homozygotes.

Submission:

Labcorp Genetics (formerly Invitae), Labcorp
Classification: Uncertain significance. Last evaluated: 2021-06-18. Review status: criteria provided, single submitter. Criteria: Invitae Variant Classification Sherloc (09022015). Collection method: clinical testing. Allele origin: germline.
Comment: This sequence change replaces proline with serine at codon 808 of the PTPN23 protein (p.Pro808Ser). The proline residue is weakly conserved and there is a moderate physicochemical difference between proline and serine. This variant is not present in population databases (ExAC no frequency). This variant has not been reported in the literature in individuals with PTPN23-related conditions. Algorithms developed to predict the effect of missense changes on protein structure and function output the following: SIFT: "Tolerated"; PolyPhen-2: "Not Available"; Align-GVGD: "Class C0". The serine amino acid residue is found in multiple mammalian species, suggesting that this missense change does not adversely affect protein function. These predictions have not been confirmed by published functional studies and their clinical significance is uncertain. In summary, the available evidence is currently insufficient to determine the role of this variant in disease. Therefore, it has been classified as a Variant of Uncertain Significance.